The following is an entry in ClinVar:

ClinVar aggregate classification (germline): Uncertain significance (1 of 4 stars; one submission).

Submission:

GeneDx
Classification: Uncertain significance. Last evaluated: 2026-04-13. Review status: criteria provided, single submitter. Criteria: GeneDx Variant Classification Process June 2021. Collection method: clinical testing. Allele origin: germline.
Comment: Not observed at significant frequency in large population cohorts (gnomAD); In silico analysis supports that this missense variant has a deleterious effect on protein structure/function; Has not been previously published as pathogenic or benign to our knowledge

NM_138615.3(DHX30):c.2138A>C (p.Gln713Pro)

Gene: DHX30 (DExH-box helicase 30; plus strand). Cytogenetic location: 3p21.31.
Variant type: single nucleotide variant.
Coding change: c.2138A>C on transcript NM_138615.3 (MANE Select); coding-DNA position 2138, A replaced by C.
Protein change: p.Gln713Pro; replaces glutamine 713 with proline.
Molecular consequence: missense variant.
Genome position (GRCh38, 1-based): chr3:47,847,808, A>C. VCF-style: chr3-47847808-A-C. GRCh37 (hg19) VCF-style: chr3-47889298-A-C.
Other names: c.2054A>C, p.Gln685Pro (NM_001330990.2); c.2021A>C, p.Gln674Pro (NM_014966.4); short protein forms Q674P, Q685P, Q713P.
Identifiers: ClinVar variation 5036952 (VCV005036952.1).